The following is an entry in ClinVar:

NM_001012339.3(DNAJC21):c.640G>A (p.Asp214Asn)

Gene: DNAJC21 (DnaJ heat shock protein family (Hsp40) member C21; plus strand). Cytogenetic location: 5p13.2.
Variant type: single nucleotide variant.
Coding change: c.640G>A on transcript NM_001012339.3 (MANE Select); coding-DNA position 640, G replaced by A.
Protein change: p.Asp214Asn; replaces aspartic acid 214 with asparagine.
Molecular consequence: missense variant.
Genome position (GRCh38, 1-based): chr5:34,937,527, G>A. VCF-style: chr5-34937527-G-A. GRCh37 (hg19) VCF-style: chr5-34937632-G-A.
Other names: c.640G>A, p.Asp214Asn (NM_001348420.2, NM_194283.4); short protein forms D214N.
Identifiers: ClinVar variation 1714737 (VCV001714737.6), dbSNP rs1764823235, ClinGen allele CA359415416.

ClinVar aggregate classification (germline): Conflicting classifications of pathogenicity. Review status: criteria provided, conflicting classifications (1 of 4 stars). 2 submissions from 2 submitters: Likely pathogenic (1); Uncertain significance (1). Last evaluated 2022-12-12.

Conditions:
DNAJC21-related disorders.

Allele frequency attached by ClinVar (database versions not stated): gnomAD exomes below 0.00001.
gnomAD v4.1: 1 of 1,614,112 alleles (0.000062%); highest among the groups gnomAD compares: South Asian, 0.0011%; no homozygotes.

Submissions (2):

Blueprint Genetics
Classification: Likely pathogenic for DNAJC21-related disorders. Last evaluated: 2022-12-12. Review status: criteria provided, single submitter. Criteria: ACMG Guidelines, 2015. Collection method: clinical testing. Allele origin: germline. Affected: yes. Observed: 2 variant alleles.

Labcorp Genetics (formerly Invitae), Labcorp
Classification: Uncertain significance. Last evaluated: 2022-07-15. Review status: criteria provided, single submitter. Criteria: Invitae Variant Classification Sherloc (09022015). Collection method: clinical testing. Allele origin: germline.
Comment: This sequence change replaces aspartic acid, which is acidic and polar, with asparagine, which is neutral and polar, at codon 214 of the DNAJC21 protein (p.Asp214Asn). This variant is not present in population databases (gnomAD no frequency). This variant has not been reported in the literature in individuals affected with DNAJC21-related conditions. Algorithms developed to predict the effect of missense changes on protein structure and function are either unavailable or do not agree on the potential impact of this missense change (SIFT: "Deleterious"; PolyPhen-2: "Probably Damaging"; Align-GVGD: "Class C0"). In summary, the available evidence is currently insufficient to determine the role of this variant in disease. Therefore, it has been classified as a Variant of Uncertain Significance.